The following is an entry in ClinVar:

NM_000492.4(CFTR):c.2438del (p.Ser813fs)

Gene: CFTR (CF transmembrane conductance regulator; plus strand). Cytogenetic location: 7q31.2.
Variant type: Deletion.
Coding change: c.2438del on transcript NM_000492.4 (MANE Select); coding-DNA position 2438, one base deleted (C; older notation c.2438delC).
Protein change: p.Ser813fs; shifts the reading frame from serine 813.
Molecular consequence: frameshift variant.
Genome position (GRCh38, 1-based): chr7:117,592,605, C deleted. VCF-style (leftmost placement, unchanged base first): chr7-117592604-TC-T. GRCh37 (hg19) VCF-style: chr7-117232658-TC-T.
Other names: short protein forms S813fs.
Identifiers: ClinVar variation 2713879 (VCV002713879.4), dbSNP rs2485110841, ClinGen allele CA2697557578.

ClinVar aggregate classification (germline): Pathogenic/Likely pathogenic. Review status: criteria provided, multiple submitters, no conflicts (2 of 4 stars). 2 submissions from 2 submitters: Pathogenic (1); Likely pathogenic (1). Last evaluated 2025-08-05.

Conditions:
Cystic fibrosis (CF). Also called: MUCOVISCIDOSIS. Identifiers: Orphanet 586, MedGen C0010674, MONDO:0009061, OMIM 219700. Disease mechanism: loss of function.
CFTR-related disorder (CFTR-RD). Also called: CFTR-related disorders; CFTR-related condition. Identifiers: MedGen C5924204, MONDO:7770004.

Submissions (2):

Natera, Inc.
Classification: Likely pathogenic for CFTR-related disorders. Last evaluated: 2025-08-05. Review status: criteria provided, single submitter. Criteria: Natera Variant Classification Schema (03/2026). Collection method: clinical testing. Allele origin: germline.
Comment: The c.2438delC variant in CFTR is a frameshift variant predicted to shift the reading frame beginning at codon 813 and leads to a stop codon 8 codons downstream. This variant is expected to result in nonsense mediated decay, truncation, or a dysfunctional protein product. This variant is rare in the general population with a frequency below the threshold expected for the associated phenotype(s). Given the available evidence, this variant is classified as Likely Pathogenic.

Labcorp Genetics (formerly Invitae), Labcorp
Classification: Pathogenic for Cystic fibrosis. Last evaluated: 2024-01-28. Review status: criteria provided, single submitter. Criteria: Invitae Variant Classification Sherloc (09022015). Collection method: clinical testing. Allele origin: germline.
Comment: This sequence change creates a premature translational stop signal (p.Ser813Phefs*8) in the CFTR gene. It is expected to result in an absent or disrupted protein product. Loss-of-function variants in CFTR are known to be pathogenic (PMID: 1695717, 7691345, 9725922). This variant is not present in population databases (gnomAD no frequency). This variant has not been reported in the literature in individuals affected with CFTR-related conditions. For these reasons, this variant has been classified as Pathogenic.

Literature cited by the submitters: PubMed 1695717 (cited by Labcorp Genetics (formerly Invitae), Labcorp); PubMed 7691345 (cited by Labcorp Genetics (formerly Invitae), Labcorp); PubMed 9725922 (cited by Labcorp Genetics (formerly Invitae), Labcorp).